The following is an entry in ClinVar:

ClinVar aggregate classification (germline): Uncertain significance (1 of 4 stars; one submission).

Submission:

Labcorp Genetics (formerly Invitae), Labcorp
Classification: Uncertain significance. Last evaluated: 2022-10-17. Review status: criteria provided, single submitter. Criteria: Invitae Variant Classification Sherloc (09022015). Collection method: clinical testing. Allele origin: germline.
Comment: In summary, the available evidence is currently insufficient to determine the role of this variant in disease. Therefore, it has been classified as a Variant of Uncertain Significance. This sequence change replaces valine, which is neutral and non-polar, with alanine, which is neutral and non-polar, at codon 1658 of the UNC80 protein (p.Val1658Ala). This variant is not present in population databases (gnomAD no frequency). This variant has not been reported in the literature in individuals affected with UNC80-related conditions. Advanced modeling of protein sequence and biophysical properties (such as structural, functional, and spatial information, amino acid conservation, physicochemical variation, residue mobility, and thermodynamic stability) performed at Invitae indicates that this missense variant is not expected to disrupt UNC80 protein function.

NM_001371986.1(UNC80):c.5171T>C (p.Val1724Ala)

Genes: UNC80 (unc-80 subunit of NALCN channel complex; plus strand), LOC126806490 (P300/CBP strongly-dependent group 1 enhancer GRCh37_chr2:210782411-210783610; plus strand). Cytogenetic location: 2q34.
Variant type: single nucleotide variant.
Coding change: c.5171T>C on transcript NM_001371986.1 (MANE Select); coding-DNA position 5171, T replaced by C.
Protein change: p.Val1724Ala; replaces valine 1724 with alanine.
Molecular consequence: missense variant.
Genome position (GRCh38, 1-based): chr2:209,917,918, T>C. VCF-style: chr2-209917918-T-C. GRCh37 (hg19) VCF-style: chr2-210782642-T-C.
Other names: c.4973T>C, p.Val1658Ala (NM_032504.2); c.4958T>C, p.Val1653Ala (NM_182587.4); short protein forms V1724A, V1653A, V1658A.
Identifiers: ClinVar variation 2093312 (VCV002093312.4), dbSNP rs2471126753, ClinGen allele CA350759379.